The following is an entry in ClinVar:

ClinVar aggregate classification (germline): Uncertain significance (1 of 4 stars; one submission).

Submission:

Ambry Genetics
Classification: Uncertain significance. Last evaluated: 2025-06-28. Review status: criteria provided, single submitter. Criteria: Ambry Variant Classification Scheme 2023. Collection method: clinical testing. Allele origin: germline.
Comment: The p.Q47H variant (also known as c.141G>T), located in coding exon 1 of the EGLN1 gene, results from a G to T substitution at nucleotide position 141. The glutamine at codon 47 is replaced by histidine, an amino acid with highly similar properties. This amino acid position is conserved. In addition, the in silico prediction for this alteration is inconclusive. Based on the available evidence, the clinical significance of this variant remains unclear.

NM_022051.3(EGLN1):c.141G>T (p.Gln47His)

Gene: EGLN1 (egl-9 family hypoxia inducible factor 1; minus strand). Cytogenetic location: 1q42.2.
Variant type: single nucleotide variant.
Coding change: c.141G>T on transcript NM_022051.3 (MANE Select); coding-DNA position 141, G replaced by T.
Protein change: p.Gln47His; replaces glutamine 47 with histidine.
Molecular consequence: missense variant.
Genome position (GRCh38, 1-based): chr1:231,421,748, C>A on the plus strand (G>T on the coding strand, the complement: EGLN1 is on the minus strand). VCF-style: chr1-231421748-C-A. GRCh37 (hg19) VCF-style: chr1-231557494-C-A.
Other names: c.141G>T, p.Gln47His (NM_001377260.1, NM_001377261.1); short protein forms Q47H.
Identifiers: ClinVar variation 4247387 (VCV004247387.1).